The following is an entry in ClinVar:

NM_000019.4(ACAT1):c.655_656insTTTTTTTTTTTTTTTTTTTTNNNNNNNNNNGATGGTCTCGATCTCCTGACCTCATGATCCACCCGCCTCGGCCTCCCAAAGTGCTGGGATTACAGGCGTGAGCCACCGCGCCCGGCCGCTATTAATTCTT (p.Tyr219delinsPhePhePhePhePhePhePheXaaXaaXaaXaaTrpSerArgSerProAspLeuMetIleHisProProArgProProLysValLeuGlyLeuGlnAlaTer)

Gene: ACAT1 (acetyl-CoA acetyltransferase 1; plus strand). Cytogenetic location: 11q22.3.
Variant type: Insertion.
Coding change: c.655_656insTTTTTTTTTTTTTTTTTTTTNNNNNNNNNNGATGGTCTCGATCTCCTGACCTCATGATCCACCCGCCTCGGCCTCCCAAAGTGCTGGGATTACAGGCGTGAGCCACCGCGCCCGGCCGCTATTAATTCTT on transcript NM_000019.4 (MANE Select); coding-DNA positions 655 to 656, TTTTTTTTTTTTTTTTTTTTNNNNNNNNNNGATGGTCTCGATCTCCTGACCTCATGATCCACCCGCCTCGGCCTCCCAAAGTGCTGGGATTACAGGCGTGAGCCACCGCGCCCGGCCGCTATTAATTCTT inserted.
Protein change: p.Tyr219delinsPhePhePhePhePhePhePheXaaXaaXaaXaaTrpSerArgSerProAspLeuMetIleHisProProArgProProLysValLeuGlyLeuGlnAlaTer.
Molecular consequence: nonsense. On other transcripts: non-coding transcript variant (2).
Genome position: GRCh38: chr11:108,140,140-108,140,141. GRCh37 (hg19): chr11:108,010,867-108,010,868.
Other names: c.655_656insTTTTTTTTTTTTTTTTTTTTNNNNNNNNNNGATGGTCTCGATCTCCTGACCTCATGATCCACCCGCCTCGGCCTCCCAAAGTGCTGGGATTACAGGCGTGAGCCACCGCGCCCGGCCGCTATTAATTCTT, p.Tyr219delinsPhePhePhePhePhePhePheXaaXaaXaaXaaTrpSerArgSerProAspLeuMetIleHisProProArgProProLysValLeuGlyLeuGlnAlaTer (NM_001386677.1); c.340_341insTTTTTTTTTTTTTTTTTTTTNNNNNNNNNNGATGGTCTCGATCTCCTGACCTCATGATCCACCCGCCTCGGCCTCCCAAAGTGCTGGGATTACAGGCGTGAGCCACCGCGCCCGGCCGCTATTAATTCTT, p.Tyr114delinsPhePhePhePhePhePhePheXaaXaaXaaXaaTrpSerArgSerProAspLeuMetIleHisProProArgProProLysValLeuGlyLeuGlnAlaTer (NM_001386678.1); c.358_359insTTTTTTTTTTTTTTTTTTTTNNNNNNNNNNGATGGTCTCGATCTCCTGACCTCATGATCCACCCGCCTCGGCCTCCCAAAGTGCTGGGATTACAGGCGTGAGCCACCGCGCCCGGCCGCTATTAATTCTT, p.Tyr120delinsPhePhePhePhePhePhePheXaaXaaXaaXaaTrpSerArgSerProAspLeuMetIleHisProProArgProProLysValLeuGlyLeuGlnAlaTer (NM_001386679.1); c.385_386insTTTTTTTTTTTTTTTTTTTTNNNNNNNNNNGATGGTCTCGATCTCCTGACCTCATGATCCACCCGCCTCGGCCTCCCAAAGTGCTGGGATTACAGGCGTGAGCCACCGCGCCCGGCCGCTATTAATTCTT, p.Tyr129delinsPhePhePhePhePhePhePheXaaXaaXaaXaaTrpSerArgSerProAspLeuMetIleHisProProArgProProLysValLeuGlyLeuGlnAlaTer (NM_001386681.1, NM_001386682.1, NM_001386685.1 and 6 more transcripts).
Identifiers: ClinVar variation 1452347 (VCV001452347.6), dbSNP rs2134761257.

ClinVar aggregate classification (germline): Pathogenic (1 of 4 stars; one submission).

Conditions:
Deficiency of acetyl-CoA acetyltransferase. Also called: MITOCHONDRIAL ACETOACETYL-CoA THIOLASE DEFICIENCY; Beta-ketothiolase deficiency; 3-OXOTHIOLASE DEFICIENCY; 3-KETOTHIOLASE DEFICIENCY. Identifiers: Orphanet 134, MedGen C1536500, MONDO:0008760, OMIM 203750. Disease mechanism: loss of function.

Submission:

Labcorp Genetics (formerly Invitae), Labcorp
Classification: Pathogenic for Deficiency of acetyl-CoA acetyltransferase. Last evaluated: 2021-03-09. Review status: criteria provided, single submitter. Criteria: Invitae Variant Classification Sherloc (09022015). Collection method: clinical testing. Allele origin: germline.
Comment: This sequence change inserts a large fragment of DNA, likely a transposable element, in exon 7 of the ACAT1 gene (c.655_656ins?), causing a frameshift at codon 219 (p.Tyr219fs). The exact size and sequence of the insertion cannot be determined by the current assay. However, the insertion is expected to result in an absent or disrupted protein product. This variant is not present in population databases (ExAC no frequency). This variant has not been reported in the literature in individuals with ACAT1-related conditions. Algorithms developed to predict the effect of sequence changes on RNA splicing suggest that this variant may create or strengthen a splice site, but this prediction has not been confirmed by published transcriptional studies. Retrotransposon insertions including LINE1 (L1), Alu, and SVA (SINE-VNTR-Alu) have been reported to be disease-causing through disruption of either a coding region or splice site (PMID: 19763152, 20307669, 22406018) and loss-of-function variants in ACAT1 are known to be pathogenic (PMID: 7749408). For these reasons, this variant has been classified as Pathogenic.

Literature cited by the submitters: PubMed 19763152; PubMed 20307669; PubMed 22406018; PubMed 7749408.